The following is an entry in ClinVar:

ClinVar aggregate classification (germline): Uncertain significance (1 of 4 stars; one submission).

Conditions:
Fanconi anemia complementation group J. Also called: BRIP1-Related Fanconi Anemia. Identifiers: Orphanet 84, MedGen C1836860, MONDO:0012187, OMIM 609054.
Familial cancer of breast. Also called: BREAST CANCER, FAMILIAL; Hereditary breast cancer; hereditary breast carcinoma. Identifiers: Orphanet 227535, MedGen C0346153, MONDO:0016419, OMIM 114480. Disease mechanism: loss of function.

Submission:

Labcorp Genetics (formerly Invitae), Labcorp
Classification: Uncertain significance for Familial cancer of breast; Fanconi anemia complementation group J. Last evaluated: 2022-06-13. Review status: criteria provided, single submitter. Criteria: Invitae Variant Classification Sherloc (09022015). Collection method: clinical testing. Allele origin: germline.
Comment: This sequence change replaces glutamic acid, which is acidic and polar, with aspartic acid, which is acidic and polar, at codon 458 of the BRIP1 protein (p.Glu458Asp). In summary, the available evidence is currently insufficient to determine the role of this variant in disease. Therefore, it has been classified as a Variant of Uncertain Significance. Algorithms developed to predict the effect of missense changes on protein structure and function are either unavailable or do not agree on the potential impact of this missense change (SIFT: "Tolerated"; PolyPhen-2: "Possibly Damaging"; Align-GVGD: "Class C0"). This variant has not been reported in the literature in individuals affected with BRIP1-related conditions. This variant is not present in population databases (gnomAD no frequency).

NM_032043.3(BRIP1):c.1374A>C (p.Glu458Asp)

Gene: BRIP1 (BRCA1 interacting DNA helicase 1; minus strand). Cytogenetic location: 17q23.2.
Variant type: single nucleotide variant.
Coding change: c.1374A>C on transcript NM_032043.3 (MANE Select); coding-DNA position 1374, A replaced by C.
Protein change: p.Glu458Asp; replaces glutamic acid 458 with aspartic acid.
Molecular consequence: missense variant.
Genome position (GRCh38, 1-based): chr17:61,793,696, T>G on the plus strand (A>C on the coding strand, the complement: BRIP1 is on the minus strand). VCF-style: chr17-61793696-T-G. GRCh37 (hg19) VCF-style: chr17-59871057-T-G.
Other names: short protein forms E458D.
Identifiers: ClinVar variation 1437054 (VCV001437054.8), dbSNP rs2145243668, ClinGen allele CA400482255.